The following is an entry in ClinVar:

ClinVar aggregate classification (germline): Likely benign (1 of 4 stars; one submission).

Submission:

CeGaT Center for Human Genetics Tuebingen
Classification: Likely benign. Last evaluated: 2026-08-01. Review status: criteria provided, single submitter. Criteria: CeGaT Center For Human Genetics Tuebingen Variant Classification Criteria Version 2. Collection method: clinical testing. Allele origin: germline. Affected: yes. Observed: 1 variant allele.
Comment: NDUFS7: PM2:Supporting, BP4, BP7

NM_024407.5(NDUFS7):c.255C>T (p.Gly85=)

Gene: NDUFS7 (NADH:ubiquinone oxidoreductase core subunit S7; plus strand). Cytogenetic location: 19p13.3.
Variant type: single nucleotide variant.
Coding change: c.255C>T on transcript NM_024407.5 (MANE Select); coding-DNA position 255, C replaced by T.
Protein change: p.Gly85=; no amino-acid change (glycine 85 retained).
Molecular consequence: synonymous variant.
Genome position (GRCh38, 1-based): chr19:1,390,897, C>T. VCF-style: chr19-1390897-C-T. GRCh37 (hg19) VCF-style: chr19-1390896-C-T.
Other names: c.255C>T, p.Gly85= (NM_001363602.2).
Identifiers: ClinVar variation 5038820 (VCV005038820.1).
Genomic context (GRCh38, chr19:1,390,897, plus strand): 5'-GGGGTGGCGTCTGACCCGAGCCCGGCCTCCGCAGAGTTCTCTGTGGCCCATGACCTTCGG[C>T]CTGGCCTGCTGCGCCGTGGAGATGATGCACATGGCAGCACCCCGCTACGACATGGACCGC-3'
Protein context (NP_077718.3, residues 75-95): RRSSLWPMTF[Gly85=]LACCAVEMMH